The following is an entry in ClinVar:

NM_014112.5(TRPS1):c.3052G>A (p.Glu1018Lys)

Gene: TRPS1 (transcriptional repressor GATA binding 1; minus strand). Cytogenetic location: 8q23.3.
Variant type: single nucleotide variant.
Coding change: c.3052G>A on transcript NM_014112.5 (MANE Select); coding-DNA position 3052, G replaced by A.
Protein change: p.Glu1018Lys; replaces glutamic acid 1018 with lysine.
Molecular consequence: missense variant.
Genome position (GRCh38, 1-based): chr8:115,414,856, C>T on the plus strand (G>A on the coding strand, the complement: TRPS1 is on the minus strand). VCF-style: chr8-115414856-C-T. GRCh37 (hg19) VCF-style: chr8-116427084-C-T.
Other names: c.3025G>A, p.Glu1009Lys (NM_001282902.3); c.3031G>A, p.Glu1011Lys (NM_001282903.3); c.3013G>A, p.Glu1005Lys (NM_001330599.2); short protein forms E1005K, E1009K, E1011K, E1018K.
Identifiers: ClinVar variation 2938542 (VCV002938542.3), dbSNP rs1812876498, ClinGen allele CA372063623.

ClinVar aggregate classification (germline): Uncertain significance (1 of 4 stars; one submission).

Conditions:
Trichorhinophalangeal dysplasia type I (TRPS1). Also called: TRICHORHINOPHALANGEAL SYNDROME, TYPE I; TRPS I. Identifiers: Orphanet 77258, MedGen C0432233, MONDO:0008596, OMIM 190350.
Trichorhinophalangeal syndrome, type III (TRPS3). Also called: SUGIO-KAJII SYNDROME. Identifiers: Orphanet 77258, MedGen C1860823, OMIM 190351, MONDO:0008597.

Allele frequency attached by ClinVar (database versions not stated): gnomAD exomes below 0.00001; TOPMed below 0.00001.
gnomAD v4.1: 4 of 1,613,862 alleles (0.00025%); highest among the groups gnomAD compares: Non-Finnish European, 0.00025%; no homozygotes.

Submission:

Labcorp Genetics (formerly Invitae), Labcorp
Classification: Uncertain significance for Trichorhinophalangeal syndrome, type III; Trichorhinophalangeal dysplasia type I. Last evaluated: 2023-09-19. Review status: criteria provided, single submitter. Criteria: Invitae Variant Classification Sherloc (09022015). Collection method: clinical testing. Allele origin: germline.
Comment: In summary, the available evidence is currently insufficient to determine the role of this variant in disease. Therefore, it has been classified as a Variant of Uncertain Significance. Advanced modeling of protein sequence and biophysical properties (such as structural, functional, and spatial information, amino acid conservation, physicochemical variation, residue mobility, and thermodynamic stability) performed at Invitae indicates that this missense variant is not expected to disrupt TRPS1 protein function. This variant has not been reported in the literature in individuals affected with TRPS1-related conditions. This variant is not present in population databases (gnomAD no frequency). This sequence change replaces glutamic acid, which is acidic and polar, with lysine, which is basic and polar, at codon 1018 of the TRPS1 protein (p.Glu1018Lys).